The following is an entry in ClinVar:

ClinVar aggregate classification (germline): Conflicting classifications of pathogenicity. Review status: criteria provided, conflicting classifications (1 of 4 stars). 2 submissions from 2 submitters: Uncertain significance (1); Likely benign (1). Last evaluated 2024-10-18.

Conditions:
Hereditary cancer-predisposing syndrome. Also called: Tumor predisposition; Hereditary Cancer Syndrome; Hereditary neoplastic syndrome; Neoplastic Syndromes, Hereditary. Identifiers: Orphanet 140162, MedGen C0027672, MeSH D009386, MONDO:0015356.
Tumor predisposition syndrome 3 (TPDS3). Also called: Melanoma, cutaneous malignant, susceptibility to, 10; Glioma susceptibility 9; LONG TELOMERE SYNDROME, POT1-RELATED; POT1 Tumor Predisposition. Identifiers: Orphanet 618, MedGen C4014476, MONDO:0014368, OMIM 615848.

Allele frequency attached by ClinVar (database versions not stated): ExAC 0.00001; gnomAD exomes 0.00001.

Submissions (2):

Ambry Genetics
Classification: Uncertain significance for Hereditary cancer-predisposing syndrome. Last evaluated: 2024-10-18. Review status: criteria provided, single submitter. Criteria: Ambry Variant Classification Scheme 2023. Collection method: clinical testing. Allele origin: germline.
Comment: The c.950-5T>C intronic variant results from a T to C substitution 5 nucleotides upstream from coding exon 8 in the POT1 gene. This nucleotide position is well conserved in available vertebrate species. In silico splice site analysis predicts that this alteration will not have any significant effect on splicing. Based on the available evidence, the clinical significance of this variant remains unclear.

Labcorp Genetics (formerly Invitae), Labcorp
Classification: Likely benign for Tumor predisposition syndrome 3. Last evaluated: 2024-09-08. Review status: criteria provided, single submitter. Criteria: Invitae Variant Classification Sherloc (09022015). Collection method: clinical testing. Allele origin: germline.

NM_015450.3(POT1):c.950-5T>C

Gene: POT1 (protection of telomeres 1; minus strand). Cytogenetic location: 7q31.33.
Variant type: single nucleotide variant.
Coding change: c.950-5T>C on transcript NM_015450.3 (MANE Select); 5 bases into the intron before coding-DNA position 950, T replaced by C.
Molecular consequence: intron variant.
Genome position (GRCh38, 1-based): chr7:124,847,003, A>G on the plus strand (T>C on the coding strand, the complement: POT1 is on the minus strand). VCF-style: chr7-124847003-A-G. GRCh37 (hg19) VCF-style: chr7-124487057-A-G.
Other names: c.557-5T>C (NM_001042594.2); c.950-5T>C (NM_015450.2).
Identifiers: ClinVar variation 1572573 (VCV001572573.9), dbSNP rs750032192, ClinGen allele CA4465274.